The following is an entry in ClinVar:

NM_001267550.2(TTN):c.73114_73132del (p.Ile24372fs)

Genes: TTN (titin; minus strand), TTN-AS1 (TTN antisense RNA 1; plus strand). Cytogenetic location: 2q31.2.
Variant type: Deletion.
Coding change: c.73114_73132del on transcript NM_001267550.2 (MANE Select); coding-DNA positions 73114 to 73132, 19 bases deleted (ATTGTCACTCCACCAGCAG).
Protein change: p.Ile24372fs; shifts the reading frame from isoleucine 24372.
Molecular consequence: frameshift variant.
Genome position (GRCh38, 1-based): chr2:178,573,000-178,573,018, CTGCTGGTGGAGTGACAAT deleted on the plus strand (ATTGTCACTCCACCAGCAG on the coding strand, the reverse complement: TTN is on the minus strand); deleting any 19 consecutive bases within chr2:178,573,000-178,573,022 gives the same sequence; the c. name uses the placement nearest the transcript's 3' end. VCF-style (leftmost placement, unchanged base first): chr2-178572999-CCTGCTGGTGGAGTGACAAT-C. GRCh37 (hg19) VCF-style: chr2-179437726-CCTGCTGGTGGAGTGACAAT-C.
Other names: c.68191_68209del, p.Ile22731fs (NM_001256850.1); c.45919_45937del, p.Ile15307fs (NM_003319.4); c.65410_65428del, p.Ile21804fs (NM_133378.4); c.46294_46312del, p.Ile15432fs (NM_133432.3); c.46495_46513del, p.Ile15499fs (NM_133437.4); c.45919_45937del19 (NM_003319.4); short protein forms I15307fs, I15432fs, I15499fs, I21804fs, I22731fs, I24372fs.
Identifiers: ClinVar variation 3223278 (VCV003223278.1), dbSNP rs2468564655, ClinGen allele CA2825001024.

ClinVar aggregate classification (germline): Likely pathogenic (1 of 4 stars; one submission).

Conditions:
Cardiovascular phenotype. Identifiers: MedGen CN230736.

Submission:

Ambry Genetics
Classification: Likely pathogenic for Cardiovascular phenotype. Last evaluated: 2024-03-07. Review status: criteria provided, single submitter. Criteria: Ambry Variant Classification Scheme 2023. Collection method: clinical testing. Allele origin: germline.
Comment: The c.45919_45937del19 variant, located in coding exon 153 of the TTN gene, results from a deletion of 19 nucleotides at nucleotide positions 45919 to 45937, causing a translational frameshift with a predicted alternate stop codon (p.I15307Dfs*25). This exon is located in the A-band region of the N2-B isoform of the titin protein and is constitutively expressed in TTN transcripts (percent spliced in or PSI 100%). This alteration is expected to result in loss of function by premature protein truncation or nonsense-mediated mRNA decay. While truncating variants in TTN are present in 1-3% of the general population, truncating variants in the A-band are the most common cause of dilated cardiomyopathy (DCM) (Herman DS et al. N. Engl. J. Med., 2012 Feb;366:619-28; Roberts AM et al. Sci Transl Med, 2015 Jan;7:270ra6). TTN truncating variants encoded in constitutive exons (PSI >90%) have been found to be significantly associated with DCM regardless of their position in titin (Schafer S et al. Nat. Genet., 2017 01;49:46-53). This variant is considered to be rare based on population cohorts in the Genome Aggregation Database (gnomAD). Based on the majority of available evidence to date, this variant is likely to be pathogenic.